The following is an entry in ClinVar:

ClinVar aggregate classification (germline): Likely benign. Review status: criteria provided, multiple submitters, no conflicts (2 of 4 stars). 4 submissions from 4 submitters: Likely benign (4). Last evaluated 2023-01-08.

Conditions:
Cardiovascular phenotype. Identifiers: MedGen CN230736.
RASopathy. Also called: rasopathies; Noonan spectrum disorder. Identifiers: Orphanet 536391, MedGen C5555857, MONDO:0021060.
Noonan syndrome 1 (NS1). Also called: PTPN11-Related Noonan Syndrome; TURNER PHENOTYPE WITH NORMAL KARYOTYPE; FEMALE PSEUDO-TURNER SYNDROME. Identifiers: Orphanet 648, MedGen C4551602, MONDO:0008104, OMIM 163950. Disease mechanism: gain of function.
Juvenile myelomonocytic leukemia (JMML). Also called: LEUKEMIA, JUVENILE MYELOMONOCYTIC, SOMATIC. Identifiers: Orphanet 86834, MedGen C0349639, MONDO:0011908, OMIM 607785, HP:0012209.
Metachondromatosis (METCDS). Identifiers: Orphanet 2499, MedGen C0410530, MONDO:0007979, OMIM 156250.
LEOPARD syndrome 1 (LPRD1). Also called: LENTIGINOSIS, CARDIOMYOPATHIC; MULTIPLE LENTIGINES SYNDROME; PTPN11-Related LEOPARD Syndrome. Identifiers: Orphanet 500, MedGen C4551484, MONDO:0100082, OMIM 151100.

Allele frequency attached by ClinVar (database versions not stated): gnomAD 0.00001; gnomAD exomes 0.00001.
gnomAD v4.1: 9 of 1,614,012 alleles (0.00056%); highest among the groups gnomAD compares: Non-Finnish European, 0.00068%; no homozygotes.

Submissions (4):

Labcorp Genetics (formerly Invitae), Labcorp
Classification: Likely benign for RASopathy. Last evaluated: 2023-01-08. Review status: criteria provided, single submitter. Criteria: Invitae Variant Classification Sherloc (09022015). Collection method: clinical testing. Allele origin: germline.

Fulgent Genetics
Classification: Likely benign for LEOPARD syndrome 1; Metachondromatosis; Noonan syndrome 1; Juvenile myelomonocytic leukemia. Last evaluated: 2022-04-15. Review status: criteria provided, single submitter. Criteria: ACMG Guidelines, 2015. Collection method: clinical testing. Allele origin: unknown.

Ambry Genetics
Classification: Likely benign for Cardiovascular phenotype. Last evaluated: 2018-10-18. Review status: criteria provided, single submitter. Criteria: Ambry Variant Classification Scheme 2023. Collection method: clinical testing. Allele origin: germline.

GeneDx
Classification: Likely benign. Last evaluated: 2018-02-09. Review status: criteria provided, single submitter. Criteria: GeneDx Variant Classification (06012015). Collection method: clinical testing. Allele origin: germline. Affected: yes.
Comment: This variant is considered likely benign or benign based on one or more of the following criteria: it is a conservative change, it occurs at a poorly conserved position in the protein, it is predicted to be benign by multiple in silico algorithms, and/or has population frequency not consistent with disease.

NM_002834.5(PTPN11):c.1047C>T (p.Asn349=)

Gene: PTPN11 (protein tyrosine phosphatase non-receptor type 11; plus strand). Cytogenetic location: 12q24.13.
Variant type: single nucleotide variant.
Coding change: c.1047C>T on transcript NM_002834.5 (MANE Select); coding-DNA position 1047, C replaced by T.
Protein change: p.Asn349=; no amino-acid change (asparagine 349 retained).
Molecular consequence: synonymous variant.
Genome position (GRCh38, 1-based): chr12:112,477,970, C>T. VCF-style: chr12-112477970-C-T. GRCh37 (hg19) VCF-style: chr12-112915774-C-T.
Other names: c.1047C>T, p.Asn349= (NM_001330437.2, NM_080601.3); c.1044C>T, p.Asn348= (NM_001374625.1).
Identifiers: ClinVar variation 515382 (VCV000515382.8), dbSNP rs1222504763, ClinGen allele CA481888023.